The following is an entry in ClinVar:

NM_003238.6(TGFB2):c.445T>G (p.Phe149Val)

Gene: TGFB2 (transforming growth factor beta 2; plus strand). Cytogenetic location: 1q41.
Variant type: single nucleotide variant.
Coding change: c.445T>G on transcript NM_003238.6 (MANE Select); coding-DNA position 445, T replaced by G.
Protein change: p.Phe149Val; replaces phenylalanine 149 with valine.
Molecular consequence: missense variant. On other transcripts: non-coding transcript variant (2).
Genome position (GRCh38, 1-based): chr1:218,405,267, T>G. VCF-style: chr1-218405267-T-G. GRCh37 (hg19) VCF-style: chr1-218578609-T-G.
Other names: c.529T>G, p.Phe177Val (NM_001135599.4); short protein forms F177V, F149V.
Identifiers: ClinVar variation 459267 (VCV000459267.11), dbSNP rs896156575, ClinGen allele CA37597444.
Genomic context (GRCh38, chr1:218,405,267, plus strand): 5'-ATTGTTCGATTTGACGTCTCAGCAATGGAGAAGAATGCTTCCAATTTGGTGAAAGCAGAG[T>G]TCAGAGTCTTTCGTTTGCAGAACCCAAAAGCCAGAGTGCCTGAACAACGGATTGAGCTAT-3'
Protein context (NP_003229.1, residues 139-159): KNASNLVKAE[Phe149Val]RVFRLQNPKA

ClinVar aggregate classification (germline): Uncertain significance (1 of 4 stars; one submission).

Conditions:
Loeys-Dietz syndrome 4 (LDS4). Also called: ANEURYSM, AORTIC AND CEREBRAL, WITH ARTERIAL TORTUOSITY AND SKELETAL MANIFESTATIONS; TGFB2-Related Loeys-Dietz Syndrome. Identifiers: MedGen C3553762, MONDO:0013897, OMIM 614816.

Submission:

Labcorp Genetics (formerly Invitae), Labcorp
Classification: Uncertain significance for Loeys-Dietz syndrome 4. Last evaluated: 2022-06-20. Review status: criteria provided, single submitter. Criteria: Invitae Variant Classification Sherloc (09022015). Collection method: clinical testing. Allele origin: germline.
Comment: This variant has not been reported in the literature in individuals affected with TGFB2-related conditions. This variant is not present in population databases (gnomAD no frequency). This sequence change replaces phenylalanine, which is neutral and non-polar, with valine, which is neutral and non-polar, at codon 149 of the TGFB2 protein (p.Phe149Val). ClinVar contains an entry for this variant (Variation ID: 459267). In summary, the available evidence is currently insufficient to determine the role of this variant in disease. Therefore, it has been classified as a Variant of Uncertain Significance. Algorithms developed to predict the effect of sequence changes on RNA splicing suggest that this variant may create or strengthen a splice site. Advanced modeling of protein sequence and biophysical properties (such as structural, functional, and spatial information, amino acid conservation, physicochemical variation, residue mobility, and thermodynamic stability) performed at Invitae indicates that this missense variant is not expected to disrupt TGFB2 protein function.